The following is an entry in ClinVar:

ClinVar aggregate classification (germline): Uncertain significance (1 of 4 stars; one submission).

Conditions:
Arterial tortuosity syndrome (ATORS). Identifiers: Orphanet 3342, MedGen C1859726, MONDO:0008818, OMIM 208050.

Allele frequency attached by ClinVar (database versions not stated): gnomAD exomes below 0.00001; gnomAD 0.00001.
gnomAD v4.1: 8 of 1,613,850 alleles (0.0005%); highest among the groups gnomAD compares: Non-Finnish European, 0.00059%; no homozygotes.

Submission:

Labcorp Genetics (formerly Invitae), Labcorp
Classification: Uncertain significance for Arterial tortuosity syndrome. Last evaluated: 2022-08-16. Review status: criteria provided, single submitter. Criteria: Invitae Variant Classification Sherloc (09022015). Collection method: clinical testing. Allele origin: germline.
Comment: This sequence change replaces leucine, which is neutral and non-polar, with glutamine, which is neutral and polar, at codon 480 of the SLC2A10 protein (p.Leu480Gln). This variant is present in population databases (no rsID available, gnomAD 0.0009%). This variant has not been reported in the literature in individuals affected with SLC2A10-related conditions. ClinVar contains an entry for this variant (Variation ID: 1444571). Advanced modeling of protein sequence and biophysical properties (such as structural, functional, and spatial information, amino acid conservation, physicochemical variation, residue mobility, and thermodynamic stability) performed at Invitae indicates that this missense variant is expected to disrupt SLC2A10 protein function. Algorithms developed to predict the effect of sequence changes on RNA splicing suggest that this variant may create or strengthen a splice site. In summary, the available evidence is currently insufficient to determine the role of this variant in disease. Therefore, it has been classified as a Variant of Uncertain Significance.

NM_030777.4(SLC2A10):c.1439T>A (p.Leu480Gln)

Gene: SLC2A10 (solute carrier family 2 member 10; plus strand). Cytogenetic location: 20q13.12.
Variant type: single nucleotide variant.
Coding change: c.1439T>A on transcript NM_030777.4 (MANE Select); coding-DNA position 1439, T replaced by A.
Protein change: p.Leu480Gln; replaces leucine 480 with glutamine.
Molecular consequence: missense variant.
Genome position (GRCh38, 1-based): chr20:46,729,380, T>A. VCF-style: chr20-46729380-T-A. GRCh37 (hg19) VCF-style: chr20-45358019-T-A.
Other names: short protein forms L480Q.
Identifiers: ClinVar variation 1444571 (VCV001444571.5), dbSNP rs1407824130, ClinGen allele CA409273158.
Genomic context (GRCh38, chr20:46,729,380, plus strand): 5'-CCTGGGCCTACACTCCCGCCCTCCTGTTTCCAGGCACCATCGGCTTGTCCTGGACCTTCC[T>A]GCTCTACGGACTGACCGCTGTCCTCGGCCTGGGCTTCATCTATTTATTTGTTCCTGAAAC-3'
Protein context (NP_110404.1, residues 470-490): IGTIGLSWTF[Leu480Gln]LYGLTAVLGL